The following is an entry in ClinVar:

ClinVar aggregate classification (germline): Pathogenic (1 of 4 stars; one submission).

Allele frequency attached by ClinVar (database versions not stated): gnomAD 0.00001; TOPMed 0.00001.
gnomAD v4.1: 1 of 1,613,752 alleles (0.000062%); highest among the groups gnomAD compares: Non-Finnish European, 0.000085%; no homozygotes.

Submission:

GeneDx
Classification: Pathogenic. Last evaluated: 2024-12-02. Review status: criteria provided, single submitter. Criteria: GeneDx Variant Classification Process June 2021. Collection method: clinical testing. Allele origin: germline.
Comment: Nonsense variant predicted to result in protein truncation, as the last 2295 amino acids are lost, and other loss-of-function variants have been reported downstream in HGMD; Not observed at significant frequency in large population cohorts (gnomAD); This variant is associated with the following publications: (PMID: 21747615, 27366014, 16444271)

NM_002016.2(FLG):c.5301C>G (p.Tyr1767Ter)

Genes: CCDST (cervical cancer associated DHX9 suppressive transcript; plus strand), FLG (filaggrin; minus strand). Cytogenetic location: 1q21.3.
Variant type: single nucleotide variant.
Coding change: c.5301C>G on transcript NM_002016.2 (MANE Select); coding-DNA position 5301, C replaced by G.
Protein change: p.Tyr1767Ter; replaces tyrosine 1767 with a stop codon.
Molecular consequence: nonsense.
Genome position (GRCh38, 1-based): chr1:152,309,585, G>C on the plus strand (C>G on the coding strand, the complement: FLG is on the minus strand). VCF-style: chr1-152309585-G-C. GRCh37 (hg19) VCF-style: chr1-152282061-G-C.
Other names: short protein forms Y1767*.
Identifiers: ClinVar variation 3252899 (VCV003252899.2), dbSNP rs1222103354.
Genomic context (GRCh38, chr1:152,309,585, plus strand): 5'-TCCAGTGCTGGGCCCTGTGCGTCCATGGGCGGACTCAGACTGTTCATGAGTGCTCACCTG[G>C]TAGAGGAAAGACCCTGAACGTCCAGACCTTTCCCCTGACTGGCCACGTGTGGACTCTTGG-3'